The following is an entry in ClinVar:

NM_006662.3(SRCAP):c.2801A>T (p.Asp934Val)

Gene: SRCAP (Snf2 related CREBBP activator protein; plus strand). Cytogenetic location: 16p11.2.
Variant type: single nucleotide variant.
Coding change: c.2801A>T on transcript NM_006662.3 (MANE Select); coding-DNA position 2801, A replaced by T.
Protein change: p.Asp934Val; replaces aspartic acid 934 with valine.
Molecular consequence: missense variant.
Genome position (GRCh38, 1-based): chr16:30,716,463, A>T. VCF-style: chr16-30716463-A-T. GRCh37 (hg19) VCF-style: chr16-30727784-A-T.
Other names: c.2801A>T (NM_006662.2); short protein forms D934V.
Identifiers: ClinVar variation 287610 (VCV000287610.6), dbSNP rs886043671, ClinGen allele CA10605807.
Genomic context (GRCh38, chr16:30,716,463, plus strand): 5'-CCCCTTTCATCACCCCAGGCATCTGCTTCAGCACCGCCTCTCTGGTGCTAAGGGCCACGG[A>T]TGTCCATCCCCTCCAGGTAAGTATGATTCCATTAATATGAAATGTAAAGGTTATCGGCAT-3'
Protein context (NP_006653.2, residues 924-944): STASLVLRAT[Asp934Val]VHPLQRIDMG

ClinVar aggregate classification (germline): Uncertain significance. Review status: criteria provided, multiple submitters, no conflicts (2 of 4 stars). 2 submissions from 2 submitters: Uncertain significance (2). Last evaluated 2022-12-01.

Submissions (2):

GeneDx
Classification: Uncertain significance. Last evaluated: 2022-12-01. Review status: criteria provided, single submitter. Criteria: GeneDx Variant Classification Process June 2021. Collection method: clinical testing. Allele origin: germline. Affected: yes.
Comment: Not observed at significant frequency in large population cohorts (gnomAD); In silico analysis supports that this missense variant has a deleterious effect on protein structure/function; Has not been previously published as pathogenic or benign to our knowledge

Eurofins Ntd Llc (ga)
Classification: Uncertain significance. Last evaluated: 2017-11-10. Review status: criteria provided, single submitter. Criteria: EGL Classification Definitions 2015. Collection method: clinical testing. Allele origin: germline. Observed: 2 variant alleles, 2 heterozygotes.